The following is an entry in ClinVar:

ClinVar aggregate classification (germline): Uncertain significance (1 of 4 stars; one submission).

Conditions:
Rhabdoid tumor predisposition syndrome 2 (RTPS2). Identifiers: Orphanet 231108, Orphanet 69077, MedGen C2750074, MONDO:0013224, OMIM 613325.

Submission:

Labcorp Genetics (formerly Invitae), Labcorp
Classification: Uncertain significance for Rhabdoid tumor predisposition syndrome 2. Last evaluated: 2023-08-10. Review status: criteria provided, single submitter. Criteria: Invitae Variant Classification Sherloc (09022015). Collection method: clinical testing. Allele origin: germline.
Comment: This sequence change replaces isoleucine, which is neutral and non-polar, with threonine, which is neutral and polar, at codon 707 of the SMARCA4 protein (p.Ile707Thr). This variant is not present in population databases (gnomAD no frequency). This variant has not been reported in the literature in individuals affected with SMARCA4-related conditions. ClinVar contains an entry for this variant (Variation ID: 2066194). Advanced modeling of protein sequence and biophysical properties (such as structural, functional, and spatial information, amino acid conservation, physicochemical variation, residue mobility, and thermodynamic stability) performed at Invitae indicates that this missense variant is expected to disrupt SMARCA4 protein function. In summary, the available evidence is currently insufficient to determine the role of this variant in disease. Therefore, it has been classified as a Variant of Uncertain Significance.

NM_003072.5(SMARCA4):c.2120T>C (p.Ile707Thr)

Gene: SMARCA4 (SWI/SNF related BAF chromatin remodeling complex subunit ATPase 4; plus strand). Cytogenetic location: 19p13.2.
Variant type: single nucleotide variant.
Coding change: c.2120T>C on transcript NM_003072.5 (MANE Select); coding-DNA position 2120, T replaced by C.
Protein change: p.Ile707Thr; replaces isoleucine 707 with threonine.
Molecular consequence: missense variant. On other transcripts: non-coding transcript variant (1).
Genome position (GRCh38, 1-based): chr19:11,008,020, T>C. VCF-style: chr19-11008020-T-C. GRCh37 (hg19) VCF-style: chr19-11118696-T-C.
Other names: c.2120T>C, p.Ile707Thr (NM_001128844.3, NM_001128845.2, NM_001128846.2 and 6 more transcripts); short protein forms I707T.
Identifiers: ClinVar variation 2066194 (VCV002066194.4), dbSNP rs2146194138, ClinGen allele CA404052624.